The following is an entry in ClinVar:

ClinVar aggregate classification (germline): Likely pathogenic (1 of 4 stars; one submission).

Conditions:
Hereditary cancer-predisposing syndrome. Also called: Hereditary Cancer Syndrome; Neoplastic Syndromes, Hereditary; Hereditary neoplastic syndrome; Tumor predisposition. Identifiers: Orphanet 140162, MedGen C0027672, MeSH D009386, MONDO:0015356.

Submission:

Ambry Genetics
Classification: Likely pathogenic for Hereditary cancer-predisposing syndrome. Last evaluated: 2024-02-23. Review status: criteria provided, single submitter. Criteria: Ambry Variant Classification Scheme 2023. Collection method: clinical testing. Allele origin: germline.
Comment: The p.I420S variant (also known as c.1259T>G), located in coding exon 8 of the MEN1 gene, results from a T to G substitution at nucleotide position 1259. The isoleucine at codon 420 is replaced by serine, an amino acid with dissimilar properties. In addition, internal structural analysis for the p.I420S indicated that this alteration is buried in the hydrophobic core of the MEN1 MLL-binding domain, packed against surrounding non-polar side-chains (Ambry internal data). This variant is considered to be rare based on population cohorts in the Genome Aggregation Database (gnomAD). This amino acid position is highly conserved in available vertebrate species. In addition, this alteration is predicted to be deleterious by in silico analysis. Based on the majority of available evidence to date, this variant is likely to be pathogenic.

Literature cited by the submitters: PubMed 30339208.

NM_001370259.2(MEN1):c.1259T>G (p.Ile420Ser)

Gene: MEN1 (menin 1; minus strand). Cytogenetic location: 11q13.1.
Variant type: single nucleotide variant.
Coding change: c.1259T>G on transcript NM_001370259.2 (MANE Select); coding-DNA position 1259, T replaced by G.
Protein change: p.Ile420Ser; replaces isoleucine 420 with serine.
Molecular consequence: missense variant.
Genome position (GRCh38, 1-based): chr11:64,805,125, A>C on the plus strand (T>G on the coding strand, the complement: MEN1 is on the minus strand). VCF-style: chr11-64805125-A-C. GRCh37 (hg19) VCF-style: chr11-64572597-A-C.
Other names: c.1274T>G, p.Ile425Ser (NM_000244.4, NM_130800.3, NM_130801.3 and 3 more transcripts); c.1385T>G, p.Ile462Ser (NM_001370251.2); c.1259T>G, p.Ile420Ser (NM_001370260.2, NM_001370261.2, NM_130799.3); c.1154T>G, p.Ile385Ser (NM_001370262.2, NM_001370263.2); short protein forms I420S, I425S, I385S, I462S.
Identifiers: ClinVar variation 428085 (VCV000428085.6), dbSNP rs1114167539, ClinGen allele CA381180473.